The following is an entry in ClinVar:

ClinVar aggregate classification (germline): Benign. Review status: criteria provided, multiple submitters, no conflicts (2 of 4 stars). 8 submissions from 8 submitters: Benign (8). Last evaluated 2026-02-04.

Conditions:
Noonan syndrome and Noonan-related syndrome. Identifiers: Orphanet 98733, MedGen C5681679, MONDO:0020297.
Noonan syndrome 9 (NS9). Identifiers: Orphanet 648, MedGen C4225282, MONDO:0014691, OMIM 616559.

Submissions (8):

Labcorp Genetics (formerly Invitae), Labcorp
Classification: Benign for Noonan syndrome 9. Last evaluated: 2026-02-04. Review status: criteria provided, single submitter. Criteria: Invitae Variant Classification Sherloc (09022015). Collection method: clinical testing. Allele origin: germline.

Laboratory of Genetics, Children's Clinical University Hospital Latvia
Classification: Benign. Last evaluated: 2025-02-16. Review status: criteria provided, single submitter. Criteria: ACMG Guidelines, 2015. Collection method: clinical testing. Allele origin: germline. Affected: yes.

Blueprint Genetics
Classification: Benign. Last evaluated: 2024-11-27. Review status: criteria provided, single submitter. Criteria: ACMG Guidelines, 2015. Collection method: clinical testing. Allele origin: germline.

Mayo Clinic Laboratories, Mayo Clinic
Classification: Benign. Last evaluated: 2022-04-26. Review status: criteria provided, single submitter. Criteria: ACMG Guidelines, 2015. Collection method: clinical testing. Allele origin: germline. Observed: 889 variant alleles.

Genome-Nilou Lab
Classification: Benign for Noonan syndrome 9. Last evaluated: 2021-07-15. Review status: criteria provided, single submitter. Criteria: ACMG Guidelines, 2015. Collection method: clinical testing. Allele origin: germline. Affected: no.

Genome Diagnostics Laboratory, The Hospital for Sick Children
Classification: Benign for Noonan syndrome and Noonan-related syndrome. Last evaluated: 2021-04-16. Review status: criteria provided, single submitter. Criteria: ACMG Guidelines, 2015. Collection method: clinical testing. Allele origin: germline.

Women's Health and Genetics/Laboratory Corporation of America, LabCorp
Classification: Benign. Last evaluated: 2019-08-12. Review status: criteria provided, single submitter. Criteria: LabCorp Variant Classification Summary - May 2015. Collection method: clinical testing. Allele origin: germline.
Comment: Variant summary: SOS2 c.3490-4dupT alters a conserved nucleotide located close to a canonical splice site and therefore could affect mRNA splicing, leading to a significantly altered protein sequence. 5/5 computational tools predict no significant impact on normal splicing. However, these predictions have yet to be confirmed by functional studies. The variant allele was found at a frequency of 0.55 in 131430 control chromosomes, suggesting that it is the major allele and therefore benign. A ClinVar submission (evaluation after 2014) cite the variant as benign. Based on the evidence outlined above, the variant was classified as benign.

GeneDx
Classification: Benign. Last evaluated: 2017-11-01. Review status: criteria provided, single submitter. Criteria: GeneDx Variant Classification (06012015). Collection method: clinical testing. Allele origin: germline. Affected: yes.
Comment: This variant is considered likely benign or benign based on one or more of the following criteria: it is a conservative change, it occurs at a poorly conserved position in the protein, it is predicted to be benign by multiple in silico algorithms, and/or has population frequency not consistent with disease.

NM_006939.4(SOS2):c.3490-13dup

Gene: SOS2 (SOS Ras/Rho guanine nucleotide exchange factor 2; minus strand). Cytogenetic location: 14q21.3.
Variant type: Duplication.
Coding change: c.3490-13dup on transcript NM_006939.4 (MANE Select); 13 bases into the intron before coding-DNA position 3490, one base duplicated (T; older notation c.3490-13dupT).
Molecular consequence: intron variant.
Genome position (GRCh38, 1-based): chr14:50,118,857, A duplicated on the plus strand (T on the coding strand, the reverse complement: SOS2 is on the minus strand); the first of 10 consecutive A bases (chr14:50,118,857-50,118,866); duplicating any one gives the same sequence. VCF-style (leftmost placement, unchanged base first): chr14-50118856-C-CA. GRCh37 (hg19) VCF-style: chr14-50585574-C-CA.
Other names: p.?; c.3490-4dupT (NM_006939.2, NM_006939.3); c.3490-4dup (NM_006939.4).
Identifiers: ClinVar variation 517059 (VCV000517059.21), dbSNP rs10658395, ClinGen allele CA7176770.